The following is an entry in ClinVar:

ClinVar aggregate classification (germline): Uncertain significance. Review status: criteria provided, multiple submitters, no conflicts (2 of 4 stars). 2 submissions from 2 submitters: Uncertain significance (2). Last evaluated 2022-06-08.

Conditions:
CBL-related disorder. Also called: NOONAN SYNDROME-LIKE DISORDER WITHOUT JUVENILE MYELOMONOCYTIC LEUKEMIA; CBL MUTATION-ASSOCIATED SYNDROME; CBL SYNDROME. Identifiers: Orphanet 363972, MedGen C3150803, MONDO:0013308, OMIM 613563.
RASopathy. Also called: rasopathies; Noonan spectrum disorder. Identifiers: Orphanet 536391, MedGen C5555857, MONDO:0021060.

Submissions (2):

Labcorp Genetics (formerly Invitae), Labcorp
Classification: Uncertain significance for RASopathy. Last evaluated: 2022-06-08. Review status: criteria provided, single submitter. Criteria: Invitae Variant Classification Sherloc (09022015). Collection method: clinical testing. Allele origin: germline.
Comment: In summary, the available evidence is currently insufficient to determine the role of this variant in disease. Therefore, it has been classified as a Variant of Uncertain Significance. Advanced modeling of protein sequence and biophysical properties (such as structural, functional, and spatial information, amino acid conservation, physicochemical variation, residue mobility, and thermodynamic stability) performed at Invitae indicates that this missense variant is not expected to disrupt CBL protein function. This variant has not been reported in the literature in individuals affected with CBL-related conditions. This variant is not present in population databases (gnomAD no frequency). This sequence change replaces glycine, which is neutral and non-polar, with arginine, which is basic and polar, at codon 611 of the CBL protein (p.Gly611Arg).

Illumina Laboratory Services, Illumina
Classification: Uncertain significance for CBL-related disorder. Last evaluated: 2020-09-09. Review status: criteria provided, single submitter. Criteria: ICSLVariantClassificationCriteria RUGD 01 April 2020. Collection method: clinical testing. Allele origin: unknown.
Comment: The CBL c.1831G>C p.(Gly611Arg) missense variant has not, to our knowledge, been reported in the peer-reviewed literature. This variant is not observed in version 2.1.1 or version 4.0.0 of the Genome Aggregation Database. Based on the limited evidence, the c.1831G>C p.(Gly611Arg) variant is classified as a variant of uncertain significance for Noonan-like syndrome.

NM_005188.4(CBL):c.1831G>C (p.Gly611Arg)

Gene: CBL (Cbl proto-oncogene; plus strand). Cytogenetic location: 11q23.3.
Variant type: single nucleotide variant.
Coding change: c.1831G>C on transcript NM_005188.4 (MANE Select); coding-DNA position 1831, G replaced by C.
Protein change: p.Gly611Arg; replaces glycine 611 with arginine.
Molecular consequence: missense variant.
Genome position (GRCh38, 1-based): chr11:119,285,456, G>C. VCF-style: chr11-119285456-G-C. GRCh37 (hg19) VCF-style: chr11-119156166-G-C.
Other names: short protein forms G611R.
Identifiers: ClinVar variation 2131224 (VCV002131224.5), dbSNP rs2135310865, ClinGen allele CA382920595.
Genomic context (GRCh38, chr11:119,285,456, plus strand): 5'-CTGCCCCGGCCAATCCCCAAAGTACCAGTATCTGCCCCAAGTTCCAGTGATCCCTGGACA[G>C]GAAGAGAATTAACCAACCGGCACTCACTTCCATTTTCATTGCCCTCACAAATGGAGCCCA-3'
Protein context (NP_005179.2, residues 601-621): SAPSSSDPWT[Gly611Arg]RELTNRHSLP